The following is an entry in ClinVar:

NM_001369.3(DNAH5):c.1206T>G (p.Asn402Lys)

Gene: DNAH5 (dynein axonemal heavy chain 5; minus strand). Cytogenetic location: 5p15.2.
Variant type: single nucleotide variant.
Coding change: c.1206T>G on transcript NM_001369.3 (MANE Select); coding-DNA position 1206, T replaced by G.
Protein change: p.Asn402Lys; replaces asparagine 402 with lysine.
Molecular consequence: missense variant.
Genome position (GRCh38, 1-based): chr5:13,914,634, A>C on the plus strand (T>G on the coding strand, the complement: DNAH5 is on the minus strand). VCF-style: chr5-13914634-A-C. GRCh37 (hg19) VCF-style: chr5-13914743-A-C.
Other names: short protein forms N402K.
Identifiers: ClinVar variation 2136791 (VCV002136791.2), dbSNP rs140782270, ClinGen allele CA3204913.

ClinVar aggregate classification (germline): Uncertain significance (1 of 4 stars; one submission).

Conditions:
Primary ciliary dyskinesia. Also called: Ciliary dyskinesia. Identifiers: Orphanet 244, MedGen C0008780, MONDO:0016575, HP:0012265.

gnomAD v4.1: 10 of 1,612,864 alleles (0.00062%); highest among the groups gnomAD compares: Non-Finnish European, 0.00068%; no homozygotes.

Submission:

Labcorp Genetics (formerly Invitae), Labcorp
Classification: Uncertain significance for Primary ciliary dyskinesia. Last evaluated: 2024-09-09. Review status: criteria provided, single submitter. Criteria: Invitae Variant Classification Sherloc (09022015). Collection method: clinical testing. Allele origin: germline.
Comment: This sequence change replaces asparagine, which is neutral and polar, with lysine, which is basic and polar, at codon 402 of the DNAH5 protein (p.Asn402Lys). This variant is present in population databases (rs140782270, gnomAD 0.004%). This variant has not been reported in the literature in individuals affected with DNAH5-related conditions. ClinVar contains an entry for this variant (Variation ID: 2136791). Invitae Evidence Modeling of protein sequence and biophysical properties (such as structural, functional, and spatial information, amino acid conservation, physicochemical variation, residue mobility, and thermodynamic stability) indicates that this missense variant is not expected to disrupt DNAH5 protein function with a negative predictive value of 95%. In summary, the available evidence is currently insufficient to determine the role of this variant in disease. Therefore, it has been classified as a Variant of Uncertain Significance.